The following is an entry in ClinVar:

NM_001204526.2(SSR4):c.14C>G (p.Pro5Arg)

Gene: SSR4 (signal sequence receptor subunit 4; plus strand). Cytogenetic location: Xq28.
Variant type: single nucleotide variant.
Coding change: c.14C>G on transcript NM_001204526.2; coding-DNA position 14, C replaced by G.
Protein change: p.Pro5Arg; replaces proline 5 with arginine.
Molecular consequence: missense variant. On other transcripts: non-coding transcript variant (1), intron variant (3).
Genome position (GRCh38, 1-based): chrX:153,794,580, C>G. VCF-style: chrX-153794580-C-G. GRCh37 (hg19) VCF-style: chrX-153060035-C-G.
Other names: c.-14-94C>G (NM_001440796.1); c.68-94C>G (NM_001440795.1); c.11-94C>G (NM_001204527.2); short protein forms P5R.
Identifiers: ClinVar variation 451572 (VCV000451572.4), dbSNP rs1557071630, ClinGen allele CA658659075.
Genomic context (GRCh38, chrX:153,794,580, plus strand): 5'-CCCCTGGCTCAGGGAGGGGCCACGTCAGTGCTGCCAGAGACGTCACAATGCCGGCCCAGC[C>G]GTTCGGTGCGCGATTGGCTGCCGCTGCCACTTACGCGTCGCTCTTCCTCGTTTGCCCCTC-3'

ClinVar aggregate classification (germline): Uncertain significance (1 of 4 stars; one submission).

gnomAD v4.1: 2 of 1,185,958 alleles (0.00017%); highest among the groups gnomAD compares: Non-Finnish European, 0.00023%; no homozygotes.

Submission:

GeneDx
Classification: Uncertain significance. Last evaluated: 2017-09-08. Review status: criteria provided, single submitter. Criteria: GeneDx Variant Classification (06012015). Collection method: clinical testing. Allele origin: germline. Affected: yes.
Comment: The P5R variant has not been published as a pathogenic variant, nor has it been reported as a benign variant to our knowledge. The P5R variant is not observed in large population cohorts (Lek et al., 2016; 1000 Genomes Consortium et al., 2015; Exome Variant Server). The P5R variant is a non-conservative amino acid substitution, which is likely to impact secondary protein structure as these residues differ in polarity, charge, size and/or other properties. This substitution occurs at a position that is not conserved. In silico analysis predicts this variant likely does not alter the protein structure/function. In summary, based on the currently available information, it is unclear whether this variant is a pathogenic variant or a rare benign variant.